The following is an entry in ClinVar:

ClinVar aggregate classification (germline): Likely benign. Review status: criteria provided, multiple submitters, no conflicts (2 of 4 stars). 2 submissions from 2 submitters: Likely benign (2). Last evaluated 2025-11-18.

Conditions:
Parathyroid carcinoma (PRTC). Also called: Parathyroid gland carcinoma; CDC73-Related Parathyroid Carcinoma. Identifiers: Orphanet 143, MedGen C0687150, MONDO:0012004, OMIM 608266, HP:0006780.
CDC73-related disorder. Also called: CDC73-related condition; CDC73-related disorders. Identifiers: MedGen CN169292.

gnomAD v4.1: 22 of 1,611,282 alleles (0.0014%); highest among the groups gnomAD compares: Admixed American, 0.0067%; no homozygotes.

Submissions (2):

Labcorp Genetics (formerly Invitae), Labcorp
Classification: Likely benign for Parathyroid carcinoma. Last evaluated: 2025-11-18. Review status: criteria provided, single submitter. Criteria: Invitae Variant Classification Sherloc (09022015). Collection method: clinical testing. Allele origin: germline.

PreventionGenetics, part of Exact Sciences
Classification: Likely benign for CDC73-related condition. Last evaluated: 2025-04-29. Review status: criteria provided, single submitter. Criteria: ACMG Guidelines, 2015. Collection method: clinical testing. Allele origin: germline.
Comment: This variant is classified as likely benign based on ACMG/AMP sequence variant interpretation guidelines (Richards et al. 2015 PMID: 25741868, with internal and published modifications).

NM_024529.5(CDC73):c.1559+8C>T

Gene: CDC73 (cell division cycle 73; plus strand). Cytogenetic location: 1q31.2.
Variant type: single nucleotide variant.
Coding change: c.1559+8C>T on transcript NM_024529.5 (MANE Select); 8 bases into the intron after coding-DNA position 1559, C replaced by T.
Molecular consequence: intron variant.
Genome position (GRCh38, 1-based): chr1:193,249,879, C>T. VCF-style: chr1-193249879-C-T. GRCh37 (hg19) VCF-style: chr1-193219009-C-T.
Other names: c.1559+8C>T (NM_024529.4).
Identifiers: ClinVar variation 1156860 (VCV001156860.10), dbSNP rs751279026, ClinGen allele CA1303876.
Genomic context (GRCh38, chr1:193,249,879, plus strand): 5'-AAACGTCATTTGGATAGACCAGTGTTCTTACGGTTTTGGGAAACATTGGACAGGTAATTC[C>T]GATTCTAAAATATGCTTGTGTGTGTTTTATTGTAATTTTTCTGTCTCAGTTAAATTTTAA-3'